The following is an entry in ClinVar:

ClinVar aggregate classification (germline): Uncertain significance. Review status: criteria provided, multiple submitters, no conflicts (2 of 4 stars). 2 submissions from 2 submitters: Uncertain significance (2). Last evaluated 2025-08-03.

Conditions:
Brugada syndrome. Also called: Sudden unexpected nocturnal death syndrome; Sudden unexplained nocturnal death syndrome; Sudden Unexplained Death Syndrome; Sudden Unexplained Nocturnal Death Syndrome (SUNDS). Identifiers: Orphanet 130, MedGen C1142166, MONDO:0015263.

Allele frequency attached by ClinVar (database versions not stated): ExAC 0.00001; gnomAD 0.00002; gnomAD exomes 0.00002; TOPMed 0.00004.
gnomAD v4.1: 12 of 1,614,068 alleles (0.00074%); highest among the groups gnomAD compares: African/African-American, 0.0093%; no homozygotes.

Submissions (2):

Ambry Genetics
Classification: Uncertain significance. Last evaluated: 2025-08-03. Review status: criteria provided, single submitter. Criteria: Ambry Variant Classification Scheme 2023. Collection method: clinical testing. Allele origin: germline.
Comment: The p.H571R variant (also known as c.1712A>G), located in coding exon 17 of the SLMAP gene, results from an A to G substitution at nucleotide position 1712. The histidine at codon 571 is replaced by arginine, an amino acid with highly similar properties. This amino acid position is conserved. In addition, this alteration is predicted to be tolerated by in silico analysis. Since supporting evidence is limited at this time, the clinical significance of this alteration remains unclear.

Labcorp Genetics (formerly Invitae), Labcorp
Classification: Uncertain significance for Brugada syndrome. Last evaluated: 2025-03-27. Review status: criteria provided, single submitter. Criteria: Invitae Variant Classification Sherloc (09022015). Collection method: clinical testing. Allele origin: germline.
Comment: This sequence change replaces histidine, which is basic and polar, with arginine, which is basic and polar, at codon 571 of the SLMAP protein (p.His571Arg). This variant is present in population databases (rs746778162, gnomAD 0.01%). This variant has not been reported in the literature in individuals affected with SLMAP-related conditions. ClinVar contains an entry for this variant (Variation ID: 1512456). An algorithm developed to predict the effect of missense changes on protein structure and function outputs the following: PolyPhen-2: "Benign". The arginine amino acid residue is found in multiple mammalian species, which suggests that this missense change does not adversely affect protein function. In summary, the available evidence is currently insufficient to determine the role of this variant in disease. Therefore, it has been classified as a Variant of Uncertain Significance.

NM_001377540.1(SLMAP):c.1814A>G (p.His605Arg)

Gene: SLMAP (sarcolemma associated protein; plus strand). Cytogenetic location: 3p14.3.
Variant type: single nucleotide variant.
Coding change: c.1814A>G on transcript NM_001377540.1 (MANE Select); coding-DNA position 1814, A replaced by G.
Protein change: p.His605Arg; replaces histidine 605 with arginine.
Molecular consequence: missense variant. On other transcripts: non-coding transcript variant (1).
Genome position (GRCh38, 1-based): chr3:57,912,495, A>G. VCF-style: chr3-57912495-A-G. GRCh37 (hg19) VCF-style: chr3-57898222-A-G.
Other names: c.1763A>G, p.His588Arg (NM_001304420.3, NM_001377541.1, NM_001377542.1); c.1649A>G, p.His550Arg (NM_001304421.2, NM_001377557.1, NM_001377559.1); c.365A>G, p.His122Arg (NM_001304422.3, NM_001311178.2); c.167A>G, p.His56Arg (NM_001304423.3); c.242A>G, p.His81Arg (NM_001311179.2, NM_001377926.1, NM_001377927.1 and 1 more transcripts); c.1835A>G, p.His612Arg (NM_001377538.1); c.1814A>G, p.His605Arg (NM_001377539.1); c.1751A>G, p.His584Arg (NM_001377545.1); and 9 more; short protein forms H56R, H571R, H612R, H122R, H526R, H564R, H567R, H588R.
Identifiers: ClinVar variation 1512456 (VCV001512456.8), dbSNP rs746778162, ClinGen allele CA2467245.